The following is an entry in ClinVar:

NM_000719.7(CACNA1C):c.2975A>G (p.Asn992Ser)

Gene: CACNA1C (calcium voltage-gated channel subunit alpha1 C; plus strand). Cytogenetic location: 12p13.33.
Variant type: single nucleotide variant.
Coding change: c.2975A>G on transcript NM_000719.7 (MANE Select); coding-DNA position 2975, A replaced by G.
Protein change: p.Asn992Ser; replaces asparagine 992 with serine.
Molecular consequence: missense variant.
Genome position (GRCh38, 1-based): chr12:2,605,095, A>G. VCF-style: chr12-2605095-A-G. GRCh37 (hg19) VCF-style: chr12-2714261-A-G.
Other names: c.3035A>G, p.Asn1012Ser (NM_001129827.2, NM_001129832.2, NM_199460.4); c.2975A>G, p.Asn992Ser (NM_001129829.2, NM_001129830.3, NM_001129831.2 and 15 more transcripts); c.2966A>G, p.Asn989Ser (NM_001129844.2); short protein forms N1012S, N992S, N989S.
Identifiers: ClinVar variation 546379 (VCV000546379.5), dbSNP rs1555878870, ClinGen allele CA383373576.

ClinVar aggregate classification (germline): Uncertain significance. Review status: criteria provided, multiple submitters, no conflicts (2 of 4 stars). 3 submissions from 3 submitters: Uncertain significance (3). Last evaluated 2025-09-22.

Conditions:
Long QT syndrome (LQTS). Identifiers: MedGen C0023976, MeSH D008133, MONDO:0002442. Disease mechanism: loss of function. Inheritance: Various modes of inheritance.
Cardiovascular phenotype. Identifiers: MedGen CN230736.

Allele frequency attached by ClinVar (database versions not stated): gnomAD exomes below 0.00001; gnomAD 0.00001.
gnomAD v4.1: 3 of 1,613,632 alleles (0.00019%); highest among the groups gnomAD compares: South Asian, 0.0011%; no homozygotes.

Submissions (3):

Labcorp Genetics (formerly Invitae), Labcorp
Classification: Uncertain significance for Long QT syndrome. Last evaluated: 2025-09-22. Review status: criteria provided, single submitter. Criteria: Invitae Variant Classification Sherloc (09022015). Collection method: clinical testing. Allele origin: germline.
Comment: This sequence change replaces asparagine, which is neutral and polar, with serine, which is neutral and polar, at codon 992 of the CACNA1C protein (p.Asn992Ser). This variant is not present in population databases (gnomAD no frequency). This variant has not been reported in the literature in individuals affected with CACNA1C-related conditions. ClinVar contains an entry for this variant (Variation ID: 546379). Invitae Evidence Modeling of protein sequence and biophysical properties (such as structural, functional, and spatial information, amino acid conservation, physicochemical variation, residue mobility, and thermodynamic stability) indicates that this missense variant is not expected to disrupt CACNA1C protein function with a negative predictive value of 95%. In summary, the available evidence is currently insufficient to determine the role of this variant in disease. Therefore, it has been classified as a Variant of Uncertain Significance.

Ambry Genetics
Classification: Uncertain significance for Cardiovascular phenotype. Last evaluated: 2024-08-21. Review status: criteria provided, single submitter. Criteria: Ambry Variant Classification Scheme 2023. Collection method: clinical testing. Allele origin: germline.
Comment: The p.N992S variant (also known as c.2975A>G), located in coding exon 23 of the CACNA1C gene, results from an A to G substitution at nucleotide position 2975. The asparagine at codon 992 is replaced by serine, an amino acid with highly similar properties. This amino acid position is well conserved in available vertebrate species. In addition, this alteration is predicted to be tolerated by in silico analysis. Based on the available evidence, the clinical significance of this variant remains unclear.

GeneDx
Classification: Uncertain significance. Last evaluated: 2024-04-08. Review status: criteria provided, single submitter. Criteria: GeneDx Variant Classification Process June 2021. Collection method: clinical testing. Allele origin: germline. Affected: yes.
Comment: Not observed at significant frequency in large population cohorts (gnomAD); In silico analysis indicates that this missense variant does not alter protein structure/function; Has not been previously published as pathogenic or benign to our knowledge